The following is an entry in ClinVar:

NM_004260.4(RECQL4):c.2012C>G (p.Pro671Arg)

Gene: RECQL4 (RecQ like helicase 4; minus strand). Cytogenetic location: 8q24.3.
Variant type: single nucleotide variant.
Coding change: c.2012C>G on transcript NM_004260.4 (MANE Select); coding-DNA position 2012, C replaced by G.
Protein change: p.Pro671Arg; replaces proline 671 with arginine.
Molecular consequence: missense variant.
Genome position (GRCh38, 1-based): chr8:144,513,974, G>C on the plus strand (C>G on the coding strand, the complement: RECQL4 is on the minus strand). VCF-style: chr8-144513974-G-C. GRCh37 (hg19) VCF-style: chr8-145739358-G-C.
Other names: short protein forms P671R.
Identifiers: ClinVar variation 848493 (VCV000848493.8), dbSNP rs889029109, ClinGen allele CA372680310.

ClinVar aggregate classification (germline): Uncertain significance. Review status: criteria provided, multiple submitters, no conflicts (2 of 4 stars). 2 submissions from 2 submitters: Uncertain significance (2). Last evaluated 2026-02-01.

Conditions:
Inborn genetic diseases. Identifiers: MedGen C0950123, MeSH D030342.
Baller-Gerold syndrome (BGS). Also called: CRANIOSYNOSTOSIS WITH RADIAL DEFECTS. Identifiers: Orphanet 1225, MedGen C0265308, MONDO:0009039, OMIM 218600.

Submissions (2):

Labcorp Genetics (formerly Invitae), Labcorp
Classification: Uncertain significance for Baller-Gerold syndrome. Last evaluated: 2026-02-01. Review status: criteria provided, single submitter. Criteria: Invitae Variant Classification Sherloc (09022015). Collection method: clinical testing. Allele origin: germline.
Comment: This sequence change replaces proline, which is neutral and non-polar, with arginine, which is basic and polar, at codon 671 of the RECQL4 protein (p.Pro671Arg). This variant is not present in population databases (gnomAD no frequency). This variant has not been reported in the literature in individuals affected with RECQL4-related conditions. ClinVar contains an entry for this variant (Variation ID: 848493). Invitae Evidence Modeling of protein sequence and biophysical properties (such as structural, functional, and spatial information, amino acid conservation, physicochemical variation, residue mobility, and thermodynamic stability) indicates that this missense variant is expected to disrupt RECQL4 protein function with a positive predictive value of 80%. In summary, the available evidence is currently insufficient to determine the role of this variant in disease. Therefore, it has been classified as a Variant of Uncertain Significance.

Ambry Genetics
Classification: Uncertain significance for Inborn genetic diseases. Last evaluated: 2025-08-03. Review status: criteria provided, single submitter. Criteria: Ambry Variant Classification Scheme 2023. Collection method: clinical testing. Allele origin: germline.